The following is an entry in ClinVar:

NM_000138.5(FBN1):c.7858G>C (p.Ala2620Pro)

Gene: FBN1 (fibrillin 1; minus strand). Cytogenetic location: 15q21.1.
Variant type: single nucleotide variant.
Coding change: c.7858G>C on transcript NM_000138.5 (MANE Select); coding-DNA position 7858, G replaced by C.
Protein change: p.Ala2620Pro; replaces alanine 2620 with proline.
Molecular consequence: missense variant.
Genome position (GRCh38, 1-based): chr15:48,415,729, C>G on the plus strand (G>C on the coding strand, the complement: FBN1 is on the minus strand). VCF-style: chr15-48415729-C-G. GRCh37 (hg19) VCF-style: chr15-48707926-C-G.
Other names: c.7858G>C, p.Ala2620Pro (NM_001406716.1); short protein forms A2620P.
Identifiers: ClinVar variation 2773309 (VCV002773309.2), dbSNP rs771136046, ClinGen allele CA392323386.

ClinVar aggregate classification (germline): Uncertain significance (1 of 4 stars; one submission).

Conditions:
Familial thoracic aortic aneurysm and aortic dissection (TAAD). Also called: Thoracic aortic aneurysms and dissections. Identifiers: Orphanet 91387, MedGen C4707243, MONDO:0019625.

Allele frequency attached by ClinVar (database versions not stated): gnomAD exomes below 0.00001; TOPMed 0.00001.
gnomAD v4.1: 2 of 1,614,134 alleles (0.00012%); highest among the groups gnomAD compares: African/African-American, 0.0027%; no homozygotes.

Submission:

Color Diagnostics, LLC DBA Color Health
Classification: Uncertain significance for Familial thoracic aortic aneurysm and aortic dissection. Last evaluated: 2023-09-25. Review status: criteria provided, single submitter. Criteria: ACMG Guidelines, 2015. Collection method: clinical testing. Allele origin: germline.
Comment: This missense variant replaces alanine with proline at codon 2620 of the FBN1 protein. Computational prediction suggests that this variant may have deleterious impact on protein structure and function (internally defined REVEL score threshold >= 0.7, PMID: 27666373). Although functional studies have not been reported for this variant, it changes a highly conserved alanine residue between Cys2-Cys3 in a cbEGF-like domain and is expected to disrupt FBN1 protein function (PMID: 19802897, 31227806). This variant has been reported in three biobank participants with Marfan syndrome-related external features (PMID: 32989268). This variant has been identified in 2/251280 chromosomes in the general population by the Genome Aggregation Database (gnomAD). The available evidence is insufficient to determine the role of this variant in disease conclusively. Therefore, this variant is classified as a Variant of Uncertain Significance.

Literature cited by the submitters: PubMed 19802897; PubMed 31227806; PubMed 32989268.